The following is an entry in ClinVar:

ClinVar aggregate classification (germline): Uncertain significance (1 of 4 stars; one submission).

Allele frequency attached by ClinVar (database versions not stated): gnomAD exomes below 0.00001; ExAC 0.00001.
gnomAD v4.1: 1 of 1,614,222 alleles (0.000062%); highest among the groups gnomAD compares: Non-Finnish European, 0.000085%; no homozygotes.

Submission:

GeneDx
Classification: Uncertain significance. Last evaluated: 2023-06-10. Review status: criteria provided, single submitter. Criteria: GeneDx Variant Classification Process June 2021. Collection method: clinical testing. Allele origin: germline. Affected: yes.
Comment: Not observed at significant frequency in large population cohorts (gnomAD); In silico analysis supports that this missense variant does not alter protein structure/function; Has not been previously published as pathogenic or benign to our knowledge

NM_004415.4(DSP):c.291T>G (p.Asp97Glu)

Gene: DSP (desmoplakin; plus strand). Cytogenetic location: 6p24.3.
Variant type: single nucleotide variant.
Coding change: c.291T>G on transcript NM_004415.4 (MANE Select); coding-DNA position 291, T replaced by G.
Protein change: p.Asp97Glu; replaces aspartic acid 97 with glutamic acid.
Molecular consequence: missense variant.
Genome position (GRCh38, 1-based): chr6:7,558,133, T>G. VCF-style: chr6-7558133-T-G. GRCh37 (hg19) VCF-style: chr6-7558366-T-G.
Other names: c.291T>G, p.Asp97Glu (NM_001008844.3, NM_001319034.2, NM_001406591.1); short protein forms D97E.
Identifiers: ClinVar variation 3253323 (VCV003253323.1), dbSNP rs769727026.
Genomic context (GRCh38, chr6:7,558,133, plus strand): 5'-CCTGGTAGTATGTGTTTTCCTTCATGTGAGTGTTTTCTTTCAGGAATTGAAGTATGGAGA[T>G]GGAATACAACTGACTCGGAGTCGAGAATTGGATGAGTGTTTTGCCCAGGCCAATGACCAA-3'
Protein context (NP_004406.2, residues 87-107): LIVQPELKYG[Asp97Glu]GIQLTRSREL